The following is an entry in ClinVar:

ClinVar aggregate classification (germline): Uncertain significance (1 of 4 stars; one submission).

Allele frequency attached by ClinVar (database versions not stated): gnomAD exomes below 0.00001; gnomAD 0.00001.
gnomAD v4.1: 3 of 1,614,048 alleles (0.00019%); highest among the groups gnomAD compares: African/African-American, 0.0027%; no homozygotes.

Submission:

Labcorp Genetics (formerly Invitae), Labcorp
Classification: Uncertain significance. Last evaluated: 2023-11-06. Review status: criteria provided, single submitter. Criteria: Invitae Variant Classification Sherloc (09022015). Collection method: clinical testing. Allele origin: germline.
Comment: This sequence change replaces asparagine, which is neutral and polar, with lysine, which is basic and polar, at codon 2416 of the LRP2 protein (p.Asn2416Lys). This variant is not present in population databases (gnomAD no frequency). This variant has not been reported in the literature in individuals affected with LRP2-related conditions. ClinVar contains an entry for this variant (Variation ID: 1921252). Advanced modeling of protein sequence and biophysical properties (such as structural, functional, and spatial information, amino acid conservation, physicochemical variation, residue mobility, and thermodynamic stability) performed at Invitae indicates that this missense variant is not expected to disrupt LRP2 protein function with a negative predictive value of 95%. In summary, the available evidence is currently insufficient to determine the role of this variant in disease. Therefore, it has been classified as a Variant of Uncertain Significance.

NM_004525.3(LRP2):c.7248T>A (p.Asn2416Lys)

Gene: LRP2 (LDL receptor related protein 2; minus strand). Cytogenetic location: 2q31.1.
Variant type: single nucleotide variant.
Coding change: c.7248T>A on transcript NM_004525.3 (MANE Select); coding-DNA position 7248, T replaced by A.
Protein change: p.Asn2416Lys; replaces asparagine 2416 with lysine.
Molecular consequence: missense variant.
Genome position (GRCh38, 1-based): chr2:169,206,472, A>T on the plus strand (T>A on the coding strand, the complement: LRP2 is on the minus strand). VCF-style: chr2-169206472-A-T. GRCh37 (hg19) VCF-style: chr2-170062982-A-T.
Other names: short protein forms N2416K.
Identifiers: ClinVar variation 1921252 (VCV001921252.4), dbSNP rs1028945779, ClinGen allele CA59933947.